The following is an entry in ClinVar:

NM_014956.5(CEP164):c.1789G>T (p.Glu597Ter)

Gene: CEP164 (centrosomal protein 164; plus strand). Cytogenetic location: 11q23.3.
Variant type: single nucleotide variant.
Coding change: c.1789G>T on transcript NM_014956.5 (MANE Select); coding-DNA position 1789, G replaced by T.
Protein change: p.Glu597Ter; replaces glutamic acid 597 with a stop codon.
Molecular consequence: nonsense. On other transcripts: intron variant (6).
Genome position (GRCh38, 1-based): chr11:117,387,267, G>T. VCF-style: chr11-117387267-G-T. GRCh37 (hg19) VCF-style: chr11-117257983-G-T.
Other names: c.1798G>T, p.Glu600Ter (NM_001271933.2, NM_001440949.1); c.1789G>T, p.Glu597Ter (NM_001440950.1, NM_001440951.1, NM_001440953.1); c.1624G>T, p.Glu542Ter (NM_001440952.1, NM_001440968.1, NM_001440969.1); c.1711G>T, p.Glu571Ter (NM_001440954.1, NM_001440955.1, NM_001440958.1 and 1 more transcripts); c.1702G>T, p.Glu568Ter (NM_001440956.1, NM_001440957.1); c.1660G>T, p.Glu554Ter (NM_001440960.1); c.1651G>T, p.Glu551Ter (NM_001440961.1, NM_001440967.1); c.1642G>T, p.Glu548Ter (NM_001440962.1, NM_001440963.1, NM_001440964.1 and 4 more transcripts); and 7 more; short protein forms E522*, E542*, E544*, E548*, E551*, E554*, E568*, E571*.
Identifiers: ClinVar variation 4807186 (VCV004807186.1).

ClinVar aggregate classification (germline): Pathogenic (1 of 4 stars; one submission).

Conditions:
Nephronophthisis 15 (NPHP15). Identifiers: Orphanet 3156, MedGen C3541853, MONDO:0013917, OMIM 614845.

gnomAD v4.1: 2 of 1,614,232 alleles (0.00012%); highest among the groups gnomAD compares: Admixed American, 0.0017%; no homozygotes.

Submission:

Labcorp Genetics (formerly Invitae), Labcorp
Classification: Pathogenic for Nephronophthisis 15. Last evaluated: 2026-01-20. Review status: criteria provided, single submitter. Criteria: Invitae Variant Classification Sherloc (09022015). Collection method: clinical testing. Allele origin: germline.
Comment: This sequence change creates a premature translational stop signal (p.Glu597*) in the CEP164 gene. It is expected to result in an absent or disrupted protein product. Loss-of-function variants in CEP164 are known to be pathogenic (PMID: 22863007, 28125082, 32367404, 34132027, 34499853). This variant is present in population databases (no rsID available, gnomAD 0.003%). This variant has not been reported in the literature in individuals affected with CEP164-related conditions. Algorithms developed to predict the effect of sequence changes on RNA splicing suggest that this variant may disrupt the consensus splice site. For these reasons, this variant has been classified as Pathogenic.

Literature cited by the submitters: PubMed 22863007; PubMed 28125082; PubMed 32367404; PubMed 34132027; PubMed 34499853.